The following is an entry in ClinVar:

NM_006949.4(STXBP2):c.1356+5G>A

Gene: STXBP2 (syntaxin binding protein 2; plus strand). Cytogenetic location: 19p13.2.
Variant type: single nucleotide variant.
Coding change: c.1356+5G>A on transcript NM_006949.4 (MANE Select); 5 bases into the intron after coding-DNA position 1356, G replaced by A.
Molecular consequence: intron variant.
Genome position (GRCh38, 1-based): chr19:7,645,311, G>A. VCF-style: chr19-7645311-G-A. GRCh37 (hg19) VCF-style: chr19-7710197-G-A.
Other names: c.1389+5G>A (NM_001272034.2); c.1347+5G>A (NM_001127396.3); c.1356+5G>A (NM_006949.3).
Identifiers: ClinVar variation 1492467 (VCV001492467.4), dbSNP rs748635794, ClinGen allele CA9144097.
Genomic context (GRCh38, chr19:7,645,311, plus strand): 5'-ACAGCAGCCTCATCCGTAACCTGGAGCAGCTGGGAGGCACTGTCACCAACCCCGGGGTAC[G>A]CCAGGAGCGGGCATGGGGGGACCCTGGGAGAGGGTGCGGATCACAGCCGGGGCTCTGCAA-3'

ClinVar aggregate classification (germline): Uncertain significance. Review status: criteria provided, multiple submitters, no conflicts (2 of 4 stars). 2 submissions from 2 submitters: Uncertain significance (2). Last evaluated 2023-05-10.

Conditions:
Familial hemophagocytic lymphohistiocytosis 5. Also called: STXBP2-Related Familial Hemophagocytic Lymphohistiocytosis (STXBP2-fHLH). Identifiers: Orphanet 540, MedGen C2751293, MONDO:0013135, OMIM 613101.

Allele frequency attached by ClinVar (database versions not stated): TOPMed 0.00003; gnomAD 0.00004 and 0.00005; ExAC 0.00006.
gnomAD v4.1: 31 of 1,575,442 alleles (0.002%); highest among the groups gnomAD compares: Middle Eastern, 0.035%; no homozygotes.

Submissions (2):

Women's Health and Genetics/Laboratory Corporation of America, LabCorp
Classification: Uncertain significance. Last evaluated: 2023-05-10. Review status: criteria provided, single submitter. Criteria: LabCorp Variant Classification Summary - May 2015. Collection method: clinical testing. Allele origin: germline.

Labcorp Genetics (formerly Invitae), Labcorp
Classification: Uncertain significance for Familial hemophagocytic lymphohistiocytosis 5. Last evaluated: 2022-09-01. Review status: criteria provided, single submitter. Criteria: Invitae Variant Classification Sherloc (09022015). Collection method: clinical testing. Allele origin: germline.
Comment: This sequence change falls in intron 15 of the STXBP2 gene. It does not directly change the encoded amino acid sequence of the STXBP2 protein. It affects a nucleotide within the consensus splice site. This variant is present in population databases (rs748635794, gnomAD 0.03%). This variant has not been reported in the literature in individuals affected with STXBP2-related conditions. ClinVar contains an entry for this variant (Variation ID: 1492467). Variants that disrupt the consensus splice site are a relatively common cause of aberrant splicing (PMID: 17576681, 9536098). Algorithms developed to predict the effect of sequence changes on RNA splicing suggest that this variant is not likely to affect RNA splicing. In summary, the available evidence is currently insufficient to determine the role of this variant in disease. Therefore, it has been classified as a Variant of Uncertain Significance.

Literature cited by the submitters: PubMed 17576681 (cited by Labcorp Genetics (formerly Invitae), Labcorp); PubMed 9536098 (cited by Labcorp Genetics (formerly Invitae), Labcorp).